The following is an entry in ClinVar:

NM_004525.3(LRP2):c.2560G>A (p.Ala854Thr)

Gene: LRP2 (LDL receptor related protein 2; minus strand). Cytogenetic location: 2q31.1.
Variant type: single nucleotide variant.
Coding change: c.2560G>A on transcript NM_004525.3 (MANE Select); coding-DNA position 2560, G replaced by A.
Protein change: p.Ala854Thr; replaces alanine 854 with threonine.
Molecular consequence: missense variant.
Genome position (GRCh38, 1-based): chr2:169,257,203, C>T on the plus strand (G>A on the coding strand, the complement: LRP2 is on the minus strand). VCF-style: chr2-169257203-C-T. GRCh37 (hg19) VCF-style: chr2-170113713-C-T.
Other names: c.2560G>A (NM_004525.2); short protein forms A854T.
Identifiers: ClinVar variation 1360985 (VCV001360985.9), dbSNP rs2105407572, ClinGen allele CA349156919.

ClinVar aggregate classification (germline): Uncertain significance. Review status: criteria provided, multiple submitters, no conflicts (2 of 4 stars). 2 submissions from 2 submitters: Uncertain significance (2). Last evaluated 2025-03-26.

Conditions:
Inborn genetic diseases. Identifiers: MedGen C0950123, MeSH D030342.

Allele frequency attached by ClinVar (database versions not stated): gnomAD exomes below 0.00001.
gnomAD v4.1: 2 of 1,612,780 alleles (0.00012%); highest among the groups gnomAD compares: Middle Eastern, 0.017%; no homozygotes.

Submissions (2):

Ambry Genetics
Classification: Uncertain significance for Inborn genetic diseases. Last evaluated: 2025-03-26. Review status: criteria provided, single submitter. Criteria: Ambry Variant Classification Scheme 2023. Collection method: clinical testing. Allele origin: germline.

Labcorp Genetics (formerly Invitae), Labcorp
Classification: Uncertain significance. Last evaluated: 2021-12-24. Review status: criteria provided, single submitter. Criteria: Invitae Variant Classification Sherloc (09022015). Collection method: clinical testing. Allele origin: germline.
Comment: This sequence change replaces alanine, which is neutral and non-polar, with threonine, which is neutral and polar, at codon 854 of the LRP2 protein (p.Ala854Thr). This variant is not present in population databases (gnomAD no frequency). This variant has not been reported in the literature in individuals affected with LRP2-related conditions. Advanced modeling of protein sequence and biophysical properties (such as structural, functional, and spatial information, amino acid conservation, physicochemical variation, residue mobility, and thermodynamic stability) performed at Invitae indicates that this missense variant is expected to disrupt LRP2 protein function. In summary, the available evidence is currently insufficient to determine the role of this variant in disease. Therefore, it has been classified as a Variant of Uncertain Significance.